The following is an entry in ClinVar:

NM_000238.4(KCNH2):c.1678A>G (p.Ile560Val)

Gene: KCNH2 (potassium voltage-gated channel subfamily H member 2; minus strand). Cytogenetic location: 7q36.1.
Variant type: single nucleotide variant.
Coding change: c.1678A>G on transcript NM_000238.4 (MANE Select); coding-DNA position 1678, A replaced by G.
Protein change: p.Ile560Val; replaces isoleucine 560 with valine.
Molecular consequence: missense variant.
Genome position (GRCh38, 1-based): chr7:150,951,715, T>C on the plus strand (A>G on the coding strand, the complement: KCNH2 is on the minus strand). VCF-style: chr7-150951715-T-C. GRCh37 (hg19) VCF-style: chr7-150648803-T-C.
Other names: c.1678A>G (NM_000238.2); c.658A>G, p.Ile220Val (NM_001204798.2, NM_172057.3); c.1390A>G, p.Ile464Val (NM_001406753.1, NM_001406756.1); c.1501A>G, p.Ile501Val (NM_001406755.1); c.1378A>G, p.Ile460Val (NM_001406757.1); c.1678A>G, p.Ile560Val (NM_172056.3); short protein forms I220V, I560V, I460V, I464V, I501V.
Identifiers: ClinVar variation 1055024 (VCV001055024.11), dbSNP rs2116963315, ClinGen allele CA369858821.

ClinVar aggregate classification (germline): Uncertain significance. Review status: criteria provided, multiple submitters, no conflicts (2 of 4 stars). 2 submissions from 2 submitters: Uncertain significance (2). Last evaluated 2025-05-01.

Conditions:
Long QT syndrome (LQTS). Identifiers: MedGen C0023976, MeSH D008133, MONDO:0002442. Disease mechanism: loss of function. Inheritance: Various modes of inheritance.

Allele frequency attached by ClinVar (database versions not stated): gnomAD exomes below 0.00001.

Submissions (2):

GeneDx
Classification: Uncertain significance. Last evaluated: 2025-05-01. Review status: criteria provided, single submitter. Criteria: GeneDx Variant Classification Process June 2021. Collection method: clinical testing. Allele origin: germline. Affected: yes.
Comment: Not observed at significant frequency in large population cohorts (gnomAD); In silico analysis indicates that this missense variant does not alter protein structure/function; Has not been previously published as pathogenic or benign to our knowledge

Labcorp Genetics (formerly Invitae), Labcorp
Classification: Uncertain significance for Long QT syndrome. Last evaluated: 2020-03-17. Review status: criteria provided, single submitter. Criteria: Invitae Variant Classification Sherloc (09022015). Collection method: clinical testing. Allele origin: germline.
Comment: In summary, the available evidence is currently insufficient to determine the role of this variant in disease. Therefore, it has been classified as a Variant of Uncertain Significance. Algorithms developed to predict the effect of missense changes on protein structure and function are either unavailable or do not agree on the potential impact of this missense change (SIFT: "Tolerated"; PolyPhen-2: "Probably Damaging"; Align-GVGD: "Class C0"). This variant has not been reported in the literature in individuals with KCNH2-related conditions. This variant is not present in population databases (ExAC no frequency). This sequence change replaces isoleucine with valine at codon 560 of the KCNH2 protein (p.Ile560Val). The isoleucine residue is highly conserved and there is a small physicochemical difference between isoleucine and valine.